The following is an entry in ClinVar:

ClinVar aggregate classification (germline): Uncertain significance (1 of 4 stars; one submission).

Conditions:
RASopathy. Also called: Noonan spectrum disorder; rasopathies. Identifiers: Orphanet 536391, MedGen C5555857, MONDO:0021060.

Submission:

Labcorp Genetics (formerly Invitae), Labcorp
Classification: Uncertain significance for RASopathy. Last evaluated: 2025-03-11. Review status: criteria provided, single submitter. Criteria: Invitae Variant Classification Sherloc (09022015). Collection method: clinical testing. Allele origin: germline.
Comment: This sequence change falls in intron 6 of the CBL gene. It does not directly change the encoded amino acid sequence of the CBL protein. It affects a nucleotide within the consensus splice site. This variant is not present in population databases (gnomAD no frequency). This variant has not been reported in the literature in individuals affected with CBL-related conditions. Variants that disrupt the consensus splice site are a relatively common cause of aberrant splicing (PMID: 17576681, 9536098). Algorithms developed to predict the effect of sequence changes on RNA splicing suggest that this variant may disrupt the consensus splice site. In summary, the available evidence is currently insufficient to determine the role of this variant in disease. Therefore, it has been classified as a Variant of Uncertain Significance.

Literature cited by the submitters: PubMed 17576681; PubMed 9536098.

NM_005188.4(CBL):c.1007+2dup

Gene: CBL (Cbl proto-oncogene; plus strand). Cytogenetic location: 11q23.3.
Variant type: Duplication.
Coding change: c.1007+2dup on transcript NM_005188.4 (MANE Select); the canonical splice donor site of the intron after coding-DNA position 1007, one base duplicated (T; older notation c.1007+2dupT).
Molecular consequence: splice donor variant.
Genome position (GRCh38, 1-based): chr11:119,276,136, T duplicated. VCF-style (leftmost placement, unchanged base first): chr11-119276135-G-GT. GRCh37 (hg19) VCF-style: chr11-119146845-G-GT.
Identifiers: ClinVar variation 4714478 (VCV004714478.1).